The following is an entry in ClinVar:

NM_001007792.1(NTRK1):c.163C>A (p.Arg55Ser)

Gene: NTRK1 (neurotrophic receptor tyrosine kinase 1; plus strand). Cytogenetic location: 1q23.1.
Variant type: single nucleotide variant.
Coding change: c.163C>A on transcript NM_001007792.1; coding-DNA position 163, C replaced by A.
Protein change: p.Arg55Ser; replaces arginine 55 with serine.
Molecular consequence: missense variant (on NM_001012331.2).
Genome position (GRCh38, 1-based): chr1:156,864,394, C>A. VCF-style: chr1-156864394-C-A. GRCh37 (hg19) VCF-style: chr1-156834186-C-A.
Other names: c.253C>A, p.Arg85Ser (NM_002529.4, NM_001012331.2); short protein forms R55S, R85S.
Identifiers: ClinVar variation 584593 (VCV000584593.17), dbSNP rs543320028, ClinGen allele CA1168867.

ClinVar aggregate classification (germline): Conflicting classifications of pathogenicity. Review status: criteria provided, conflicting classifications (1 of 4 stars). 8 submissions from 8 submitters: Likely pathogenic (1); Uncertain significance (5). 2 of the submissions do not count toward it. Last evaluated 2026-08-14.

Conditions:
Charcot-Marie-Tooth disease. Also called: Charcot-Marie-Tooth Hereditary Neuropathy; Charcot-Marie-Tooth Neuropathy. Identifiers: Orphanet 166, MedGen C0007959, MONDO:0015626.
Inborn genetic diseases. Identifiers: MedGen C0950123, MeSH D030342.
Hereditary insensitivity to pain with anhidrosis (CIPA). Also called: INSENSITIVITY TO PAIN, CONGENITAL, WITH ANHIDROSIS; hereditary sensory and autonomic neuropathy type 4; HSAN Type IV; NTRK1 Congenital Insensitivity to Pain with Anhidrosis; FAMILIAL DYSAUTONOMIA, TYPE II; NEUROPATHY, CONGENITAL SENSORY, WITH ANHIDROSIS. Identifiers: Orphanet 642, MedGen C0020074, MONDO:0009746, OMIM 256800.

Allele frequency attached by ClinVar (database versions not stated): TOPMed 0.00003; gnomAD 0.00004 and 0.00005; 1000 Genomes Project 30x 0.00016; 1000 Genomes Project 0.00020.
gnomAD v4.1: 19 of 1,614,062 alleles (0.0012%); highest among the groups gnomAD compares: Middle Eastern, 0.033%; no homozygotes.

Submissions (8):

Myriad Genetics, Inc.
Classification: Uncertain significance for Hereditary insensitivity to pain with anhidrosis. Last evaluated: 2026-08-14. Review status: criteria provided, single submitter. Criteria: Myriad Autosomal Dominant, Autosomal Recessive and X-Linked Classification Criteria (2023). Collection method: clinical testing. Allele origin: unknown.
Comment: NM_002529.3(NTRK1):c.253C>A(R85S) is a missense variant classified as a variant of uncertain significance in the context of congenital insensitivity to pain with anhidrosis, NTRK1-related. R85S has been observed in cases with relevant disease (PMID: 10330344, 32707409). Relevant functional assessments of this variant are available in the literature (PMID: 11159935, 11719521). R85S has been observed in referenced population frequency databases. In summary, there is insufficient evidence to classify NM_002529.3(NTRK1):c.253C>A(R85S) as pathogenic or benign. Please note: this variant was assessed in the context of healthy population screening.

Labcorp Genetics (formerly Invitae), Labcorp
Classification: Uncertain significance for Hereditary insensitivity to pain with anhidrosis. Last evaluated: 2024-11-29. Review status: criteria provided, single submitter. Criteria: Invitae Variant Classification Sherloc (09022015). Collection method: clinical testing. Allele origin: germline.
Comment: This sequence change replaces arginine, which is basic and polar, with serine, which is neutral and polar, at codon 85 of the NTRK1 protein (p.Arg85Ser). This variant is present in population databases (rs543320028, gnomAD 0.003%). This missense change has been observed in individual(s) with congenital insensitivity to pain with anhidrosis (PMID: 10330344, 32707409). It has also been observed to segregate with disease in related individuals. ClinVar contains an entry for this variant (Variation ID: 584593). Invitae Evidence Modeling of protein sequence and biophysical properties (such as structural, functional, and spatial information, amino acid conservation, physicochemical variation, residue mobility, and thermodynamic stability) indicates that this missense variant is not expected to disrupt NTRK1 protein function with a negative predictive value of 95%. Experimental studies have shown that this missense change does not substantially affect NTRK1 function (PMID: 11719521). In summary, the available evidence is currently insufficient to determine the role of this variant in disease. Therefore, it has been classified as a Variant of Uncertain Significance.

Women's Health and Genetics/Laboratory Corporation of America, LabCorp
Classification: Uncertain significance. Last evaluated: 2021-08-19. Review status: criteria provided, single submitter. Criteria: LabCorp Variant Classification Summary - May 2015. Collection method: clinical testing. Allele origin: germline.
Comment: Variant summary: NTRK1 c.253C>A (p.Arg85Ser) results in a non-conservative amino acid change in the encoded protein sequence. Four of five in-silico tools predict a benign effect of the variant on protein function. The variant allele was found at a frequency of 4e-06 in 251346 control chromosomes (gnomAD). The available data on variant occurrences in the general population are insufficient to allow any conclusion about variant significance. c.253C>A has been reported in the literature to co-occur in-cis with a pathogenic variant (c.429-1G>C) in a homozygous individual affected with Hereditary Insensitivity To Pain With Anhidrosis (Mardy_1999). It has also been reported to segregate with disease in two compound heterozygous siblings that had inherited each of their variants from their carrier parents (Hartono_2020). These reports do not allow any unequivocal conclusions about significance of the variant. Experimental evidence evaluating an impact on protein function through utilization of a combination of biochemical and biological assays, demonstrated the variant to have similar activity to wild-type (Mardy_2001, Miranda_2002). A ClinVar submitter (evaluation after 2014) cites the variant as likely pathogenic, while another ClinVar submitter (evaluation after 2014) cites it as uncertain significance. Based on the evidence outlined above, the variant was classified as uncertain significance.

Ambry Genetics
Classification: Uncertain significance for Inborn genetic diseases. Last evaluated: 2020-12-31. Review status: criteria provided, single submitter. Criteria: Ambry Variant Classification Scheme 2023. Collection method: clinical testing. Allele origin: germline.
Comment: The p.R85S variant (also known as c.253C>A), located in coding exon 2 of the NTRK1 gene, results from a C to A substitution at nucleotide position 253. The arginine at codon 85 is replaced by serine, an amino acid with dissimilar properties. This variant was detected in the homozygous state in an individual with congenital insensitivity to pain with anhidrosis (CIPA) who also had another homozygous variant in NTRK1 (c.429-1G>C) (Mardy S et al. Am J Hum Genet, 1999 Jun;64:1570-9). In addition, the p.R85S variant was found to segregate with CIPA in two affected siblings with CIPA, who were both compound heterozygotes for NTRK1 p.R85S (c.253C>A) and p.R692C (c.2074C>T) (Hartono F et al. Int J Surg Case Rep, 2020 Jul;73:213-217). Protein functional studies suggest that this alteration does not impair normal processing or autophosphorylation of NTRK1 (Mardy S et al. Hum Mol Genet, 2001 Feb;10:179-88; Miranda C et al. J Biol Chem, 2002 Feb;277:6455-62). This amino acid position is poorly conserved in available vertebrate species. In addition, the in silico prediction for this alteration is inconclusive. Since supporting evidence is limited at this time, the clinical significance of this alteration remains unclear.

Baylor Genetics
Classification: Uncertain significance for Hereditary insensitivity to pain with anhidrosis. Last evaluated: 2020-03-05. Review status: criteria provided, single submitter. Criteria: ACMG Guidelines, 2015. Collection method: clinical testing. Allele origin: unknown. Affected: yes.
Comment: This variant was determined to be of uncertain significance according to ACMG Guidelines, 2015 [PMID:25741868].

Mendelics
Classification: Likely pathogenic for Hereditary insensitivity to pain with anhidrosis. Last evaluated: 2019-05-28. Review status: criteria provided, single submitter. Criteria: Mendelics Assertion Criteria 2017. Collection method: clinical testing. Allele origin: unknown.

Natera, Inc.
Classification: Uncertain significance for Hereditary insensitivity to pain with anhidrosis. Last evaluated: 2020-02-13. Review status: no assertion criteria provided. Collection method: clinical testing. Allele origin: germline. Not counted in ClinVar's aggregate classification.

Inherited Neuropathy Consortium
Classification: Uncertain significance for Charcot-Marie-Tooth disease. Review status: no assertion criteria provided. Collection method: literature only. Allele origin: germline. Affected: yes. Not counted in ClinVar's aggregate classification.

Literature cited by the submitters: PubMed 10330344 (cited by 5 submitters); PubMed 11159935 (cited by 3 submitters); PubMed 11719521 (cited by 4 submitters); PubMed 32707409 (cited by 4 submitters).